The following is an entry in ClinVar:

ClinVar aggregate classification (germline): Uncertain significance (1 of 4 stars; one submission).

Conditions:
Diffuse cerebral and cerebellar atrophy - intractable seizures - progressive microcephaly syndrome. Also called: Microcephaly, progressive, with seizures and cerebral and cerebellar atrophy. Identifiers: Orphanet 404437, MedGen C4014239, MONDO:0014335, OMIM 615760.

gnomAD v4.1: 1 of 1,610,538 alleles (0.000062%); highest among the groups gnomAD compares: South Asian, 0.0011%; no homozygotes.

Submission:

Labcorp Genetics (formerly Invitae), Labcorp
Classification: Uncertain significance for Diffuse cerebral and cerebellar atrophy - intractable seizures - progressive microcephaly syndrome. Last evaluated: 2022-03-31. Review status: criteria provided, single submitter. Criteria: Invitae Variant Classification Sherloc (09022015). Collection method: clinical testing. Allele origin: germline.
Comment: In summary, the available evidence is currently insufficient to determine the role of this variant in disease. Therefore, it has been classified as a Variant of Uncertain Significance. Algorithms developed to predict the effect of missense changes on protein structure and function are either unavailable or do not agree on the potential impact of this missense change (SIFT: "Tolerated"; PolyPhen-2: "Possibly Damaging"; Align-GVGD: "Class C0"). This variant has not been reported in the literature in individuals affected with QARS-related conditions. This variant is not present in population databases (gnomAD no frequency). This sequence change replaces arginine, which is basic and polar, with serine, which is neutral and polar, at codon 21 of the QARS protein (p.Arg21Ser).

NM_005051.3(QARS1):c.61C>A (p.Arg21Ser)

Genes: QARS1 (glutaminyl-tRNA synthetase 1; minus strand), LOC129936736 (ATAC-STARR-seq lymphoblastoid active region 19853; plus strand). Cytogenetic location: 3p21.31.
Variant type: single nucleotide variant.
Coding change: c.61C>A on transcript NM_005051.3 (MANE Select); coding-DNA position 61, C replaced by A.
Protein change: p.Arg21Ser; replaces arginine 21 with serine.
Molecular consequence: missense variant. On other transcripts: non-coding transcript variant (1).
Genome position (GRCh38, 1-based): chr3:49,104,673, G>T on the plus strand (C>A on the coding strand, the complement: QARS1 is on the minus strand). VCF-style: chr3-49104673-G-T. GRCh37 (hg19) VCF-style: chr3-49142106-G-T.
Other names: c.61C>A, p.Arg21Ser (NM_001272073.2); short protein forms R21S.
Identifiers: ClinVar variation 2119945 (VCV002119945.4), dbSNP rs1299713566, ClinGen allele CA352723937.